The following is an entry in ClinVar:

NM_005611.4(RBL2):c.1268C>T (p.Thr423Met)

Gene: RBL2 (RB transcriptional corepressor like 2; plus strand). Cytogenetic location: 16q12.2.
Variant type: single nucleotide variant.
Coding change: c.1268C>T on transcript NM_005611.4 (MANE Select); coding-DNA position 1268, C replaced by T.
Protein change: p.Thr423Met; replaces threonine 423 with methionine.
Molecular consequence: missense variant.
Genome position (GRCh38, 1-based): chr16:53,459,539, C>T. VCF-style: chr16-53459539-C-T. GRCh37 (hg19) VCF-style: chr16-53493451-C-T.
Other names: c.1268C>T, p.Thr423Met (NM_001323608.2, NM_001323609.2, NM_001323610.2); c.1046C>T, p.Thr349Met (NM_001323611.1); short protein forms T423M, T349M.
Identifiers: ClinVar variation 3152134 (VCV003152134.3), dbSNP rs780116712, ClinGen allele CA8056264.

ClinVar aggregate classification (germline): Uncertain significance. Review status: criteria provided, multiple submitters, no conflicts (2 of 4 stars). 2 submissions from 2 submitters: Uncertain significance (2). Last evaluated 2024-06-17.

Allele frequency attached by ClinVar (database versions not stated): gnomAD exomes 0.00001; TOPMed 0.00001; ExAC 0.00001; gnomAD 0.00003.

Submissions (2):

Dasa
Classification: Uncertain significance. Last evaluated: 2024-06-17. Review status: criteria provided, single submitter. Criteria: DASA Assertion Criteria. Collection method: clinical testing. Allele origin: germline.
Comment: NM_005611.4(RBL2):c.1268C>T (p.Thr423Met) is a missense variant that results in the substitution of threonine with methionine. This variant has been observed in affected individuals with RBL2-related disorders. Also, this variant is rare in population databases. Computational prediction algorithms are consistent with a benign effect. The currently available literature and clinical evidence are not sufficient to establish a definitive association between this variant and the reported condition. Therefore, this variant is classified as a variant of uncertain significance.

Ambry Genetics
Classification: Uncertain significance. Last evaluated: 2023-10-13. Review status: criteria provided, single submitter. Criteria: Ambry Variant Classification Scheme 2023. Collection method: clinical testing. Allele origin: germline.